The following is an entry in ClinVar:

ClinVar aggregate classification (germline): Uncertain significance. Review status: criteria provided, multiple submitters, no conflicts (2 of 4 stars). 2 submissions from 2 submitters: Uncertain significance (2). Last evaluated 2025-03-15.

Conditions:
Fanconi anemia complementation group J. Also called: BRIP1-Related Fanconi Anemia. Identifiers: Orphanet 84, MedGen C1836860, MONDO:0012187, OMIM 609054.
Familial cancer of breast. Also called: BREAST CANCER, FAMILIAL; hereditary breast carcinoma; Hereditary breast cancer. Identifiers: Orphanet 227535, MedGen C0346153, MONDO:0016419, OMIM 114480. Disease mechanism: loss of function.
Hereditary cancer-predisposing syndrome. Also called: Tumor predisposition; Hereditary Cancer Syndrome; Neoplastic Syndromes, Hereditary; Hereditary neoplastic syndrome. Identifiers: Orphanet 140162, MedGen C0027672, MeSH D009386, MONDO:0015356.

Submissions (2):

Ambry Genetics
Classification: Uncertain significance for Hereditary cancer-predisposing syndrome. Last evaluated: 2025-03-15. Review status: criteria provided, single submitter. Criteria: Ambry Variant Classification Scheme 2023. Collection method: clinical testing. Allele origin: germline.
Comment: The p.Q223E variant (also known as c.667C>G), located in coding exon 6 of the BRIP1 gene, results from a C to G substitution at nucleotide position 667. The glutamine at codon 223 is replaced by glutamic acid, an amino acid with highly similar properties. This amino acid position is conserved. In addition, this alteration is predicted to be tolerated by in silico analysis. Based on the available evidence, the clinical significance of this variant remains unclear.

Labcorp Genetics (formerly Invitae), Labcorp
Classification: Uncertain significance for Familial cancer of breast; Fanconi anemia complementation group J. Last evaluated: 2022-03-28. Review status: criteria provided, single submitter. Criteria: Invitae Variant Classification Sherloc (09022015). Collection method: clinical testing. Allele origin: germline.
Comment: This variant has not been reported in the literature in individuals affected with BRIP1-related conditions. In summary, the available evidence is currently insufficient to determine the role of this variant in disease. Therefore, it has been classified as a Variant of Uncertain Significance. Algorithms developed to predict the effect of missense changes on protein structure and function (SIFT, PolyPhen-2, Align-GVGD) all suggest that this variant is likely to be tolerated. This variant is not present in population databases (gnomAD no frequency). This sequence change replaces glutamine, which is neutral and polar, with glutamic acid, which is acidic and polar, at codon 223 of the BRIP1 protein (p.Gln223Glu).

NM_032043.3(BRIP1):c.667C>G (p.Gln223Glu)

Gene: BRIP1 (BRCA1 interacting DNA helicase 1; minus strand). Cytogenetic location: 17q23.2.
Variant type: single nucleotide variant.
Coding change: c.667C>G on transcript NM_032043.3 (MANE Select); coding-DNA position 667, C replaced by G.
Protein change: p.Gln223Glu; replaces glutamine 223 with glutamic acid.
Molecular consequence: missense variant.
Genome position (GRCh38, 1-based): chr17:61,808,718, G>C on the plus strand (C>G on the coding strand, the complement: BRIP1 is on the minus strand). VCF-style: chr17-61808718-G-C. GRCh37 (hg19) VCF-style: chr17-59886079-G-C.
Other names: short protein forms Q223E.
Identifiers: ClinVar variation 2119131 (VCV002119131.5), dbSNP rs786201733, ClinGen allele CA400485171.